The following is an entry in ClinVar:

NM_133497.4(KCNV2):c.437C>T (p.Thr146Ile)

Gene: KCNV2 (potassium voltage-gated channel modifier subfamily V member 2; plus strand). Cytogenetic location: 9p24.2.
Variant type: single nucleotide variant.
Coding change: c.437C>T on transcript NM_133497.4 (MANE Select); coding-DNA position 437, C replaced by T.
Protein change: p.Thr146Ile; replaces threonine 146 with isoleucine.
Molecular consequence: missense variant.
Genome position (GRCh38, 1-based): chr9:2,718,176, C>T. VCF-style: chr9-2718176-C-T. GRCh37 (hg19) VCF-style: chr9-2718176-C-T.
Other names: c.437C>T (NM_133497.3); short protein forms T146I.
Identifiers: ClinVar variation 1901611 (VCV001901611.6), dbSNP rs763872477, ClinGen allele CA4965449.
Genomic context (GRCh38, chr9:2,718,176, plus strand): 5'-TGGCCACCTCCACCAGCCGCAGCCGCCAGCTAAGCCTGTGCGACGACTACGAGGAGCAGA[C>T]AGACGAATACTTCTTCGACCGCGACCCGGCCGTCTTCCAGCTGGTCTACAATTTCTACCT-3'
Protein context (NP_598004.1, residues 136-156): LSLCDDYEEQ[Thr146Ile]DEYFFDRDPA

ClinVar aggregate classification (germline): Uncertain significance. Review status: criteria provided, multiple submitters, no conflicts (2 of 4 stars). 2 submissions from 2 submitters: Uncertain significance (2). Last evaluated 2025-05-14.

Conditions:
Inborn genetic diseases. Identifiers: MedGen C0950123, MeSH D030342.

Allele frequency attached by ClinVar (database versions not stated): ExAC 0.00001; gnomAD exomes 0.00001.
gnomAD v4.1: 7 of 1,613,244 alleles (0.00043%); highest among the groups gnomAD compares: South Asian, 0.0033%; no homozygotes.

Submissions (2):

Ambry Genetics
Classification: Uncertain significance for Inborn genetic diseases. Last evaluated: 2025-05-14. Review status: criteria provided, single submitter. Criteria: Ambry Variant Classification Scheme 2023. Collection method: clinical testing. Allele origin: germline.

Labcorp Genetics (formerly Invitae), Labcorp
Classification: Uncertain significance. Last evaluated: 2023-12-11. Review status: criteria provided, single submitter. Criteria: Invitae Variant Classification Sherloc (09022015). Collection method: clinical testing. Allele origin: germline.
Comment: This sequence change replaces threonine, which is neutral and polar, with isoleucine, which is neutral and non-polar, at codon 146 of the KCNV2 protein (p.Thr146Ile). This variant is present in population databases (rs763872477, gnomAD 0.003%). This variant has not been reported in the literature in individuals affected with KCNV2-related conditions. ClinVar contains an entry for this variant (Variation ID: 1901611). Advanced modeling of protein sequence and biophysical properties (such as structural, functional, and spatial information, amino acid conservation, physicochemical variation, residue mobility, and thermodynamic stability) performed at Invitae indicates that this missense variant is not expected to disrupt KCNV2 protein function with a negative predictive value of 80%. In summary, the available evidence is currently insufficient to determine the role of this variant in disease. Therefore, it has been classified as a Variant of Uncertain Significance.